The following is an entry in ClinVar:

ClinVar aggregate classification (germline): Pathogenic/Likely pathogenic. Review status: criteria provided, multiple submitters, no conflicts (2 of 4 stars). 3 submissions from 3 submitters: Pathogenic (2); Likely pathogenic (1). Last evaluated 2023-06-22.

Conditions:
Glycogen storage disease IXc (GSD9C). Also called: GSD IXc. Identifiers: Orphanet 264580, MedGen C2751643, MONDO:0013091, OMIM 613027.
Glycogen storage disease type IXc.

Allele frequency attached by ClinVar (database versions not stated): ExAC 0.00001.

Submissions (3):

Neuberg Centre For Genomic Medicine, NCGM
Classification: Pathogenic for Glycogen storage disease IXc. Last evaluated: 2023-06-22. Review status: criteria provided, single submitter. Criteria: ACMG Guidelines, 2015. Collection method: clinical testing. Allele origin: germline. Inheritance: Autosomal recessive inheritance. Affected: yes.
Comment: The observed stop gain c.454C>T (p.Arg152Ter) variant in PHKG2 gene has been previously reported in homozygous state in multiple individuals affected with Glycogen storage disease IXc (Waheed N et al. 2020; Kido J et al. 2021). The p.Arg152Ter variant is present with allele frequency of 0.0004% in gnomAD Exomes. This variant has been submitted to the ClinVar database as Likely Pathogenic. Computational evidence (Mutation Taster - Disease causing) predicts damaging effect on protein structure and function for this variant. The reference nucleotide change c.454C>T in PHKG2 is predicted as conserved by GERP++ and PhyloP across 100 vertebrates. This variant is predicted to cause loss of normal protein function through protein truncation. Loss of function variants have been previously reported to be disease causing. For these reasons, this variant has been classified as Pathogenic. In the absence of another reportable variant in PHKG2 gene, the molecular diagnosis is not confirmed.

Labcorp Genetics (formerly Invitae), Labcorp
Classification: Pathogenic for Glycogen storage disease IXc. Last evaluated: 2023-01-30. Review status: criteria provided, single submitter. Criteria: Invitae Variant Classification Sherloc (09022015). Collection method: clinical testing. Allele origin: germline.
Comment: For these reasons, this variant has been classified as Pathogenic. ClinVar contains an entry for this variant (Variation ID: 973563). This variant is present in population databases (rs772912966, gnomAD 0.003%). This premature translational stop signal has been observed in individual(s) with clinical features of PHKG2-related conditions (PMID: 31508908, 32697758). This sequence change creates a premature translational stop signal (p.Arg152*) in the PHKG2 gene. It is expected to result in an absent or disrupted protein product. Loss-of-function variants in PHKG2 are known to be pathogenic (PMID: 8896567, 17689125, 21646031).

CENTOGENE GmbH and LLC - Guiding Precision Medicine
Classification: Likely pathogenic for Glycogen storage disease type IXc. Review status: criteria provided, single submitter. Criteria: ACMG Guidelines, 2015. Collection method: clinical testing. Allele origin: germline. Affected: yes.

Literature cited by the submitters: PubMed 31508908 (cited by Labcorp Genetics (formerly Invitae), Labcorp); PubMed 32697758 (cited by Labcorp Genetics (formerly Invitae), Labcorp); PubMed 8896567 (cited by Labcorp Genetics (formerly Invitae), Labcorp); PubMed 17689125 (cited by Labcorp Genetics (formerly Invitae), Labcorp); PubMed 21646031 (cited by Labcorp Genetics (formerly Invitae), Labcorp).

NM_000294.3(PHKG2):c.454C>T (p.Arg152Ter)

Gene: PHKG2 (phosphorylase kinase catalytic subunit gamma 2; plus strand). Cytogenetic location: 16p11.2.
Variant type: single nucleotide variant.
Coding change: c.454C>T on transcript NM_000294.3 (MANE Select); coding-DNA position 454, C replaced by T.
Protein change: p.Arg152Ter; replaces arginine 152 with a stop codon.
Molecular consequence: nonsense.
Genome position (GRCh38, 1-based): chr16:30,753,455, C>T. VCF-style: chr16-30753455-C-T. GRCh37 (hg19) VCF-style: chr16-30764776-C-T.
Other names: c.454C>T, p.Arg152Ter (NM_001172432.2); short protein forms R152*.
Identifiers: ClinVar variation 973563 (VCV000973563.6), dbSNP rs772912966, ClinGen allele CA8013184.
Genomic context (GRCh38, chr16:30,753,455, plus strand): 5'-TCCATCATGCGGTCTCTGCTGGAAGCAGTGAGCTTTCTCCATGCCAACAACATTGTGCAT[C>T]GAGATCTGAAGCCCGAGAATATTCTCCTAGATGACAATATGCAGATCCGACTTTCAGATT-3'